The following is an entry in ClinVar:

NM_001130144.3(LTBP3):c.2477-3C>T

Gene: LTBP3 (latent transforming growth factor beta binding protein 3; minus strand). Cytogenetic location: 11q13.1.
Variant type: single nucleotide variant.
Coding change: c.2477-3C>T on transcript NM_001130144.3 (MANE Select); 3 bases into the intron before coding-DNA position 2477, C replaced by T.
Molecular consequence: intron variant.
Genome position (GRCh38, 1-based): chr11:65,543,227, G>A on the plus strand (C>T on the coding strand, the complement: LTBP3 is on the minus strand). VCF-style: chr11-65543227-G-A. GRCh37 (hg19) VCF-style: chr11-65310698-G-A.
Other names: c.2126-3C>T (NM_001164266.1); c.2477-3C>T (NM_021070.4).
Identifiers: ClinVar variation 1983349 (VCV001983349.4), dbSNP rs2496138574, ClinGen allele CA2580084460.

ClinVar aggregate classification (germline): Uncertain significance (1 of 4 stars; one submission).

Conditions:
Brachyolmia-amelogenesis imperfecta syndrome. Also called: PLATYSPONDYLY WITH AMELOGENESIS IMPERFECTA; Tooth agenesis, selective, 6; Dental anomalies and short stature. Identifiers: Orphanet 2899, MedGen C1832594, MONDO:0011018, OMIM 601216. Disease mechanism: loss of function.

Submission:

Labcorp Genetics (formerly Invitae), Labcorp
Classification: Uncertain significance for Brachyolmia-amelogenesis imperfecta syndrome. Last evaluated: 2022-07-23. Review status: criteria provided, single submitter. Criteria: Invitae Variant Classification Sherloc (09022015). Collection method: clinical testing. Allele origin: germline.
Comment: In summary, the available evidence is currently insufficient to determine the role of this variant in disease. Therefore, it has been classified as a Variant of Uncertain Significance. Variants that disrupt the consensus splice site are a relatively common cause of aberrant splicing (PMID: 17576681, 9536098). Algorithms developed to predict the effect of sequence changes on RNA splicing suggest that this variant is not likely to affect RNA splicing. This variant has not been reported in the literature in individuals affected with LTBP3-related conditions. This variant is not present in population databases (gnomAD no frequency). This sequence change falls in intron 17 of the LTBP3 gene. It does not directly change the encoded amino acid sequence of the LTBP3 protein. It affects a nucleotide within the consensus splice site.

Literature cited by the submitters: PubMed 17576681; PubMed 9536098.